The following is an entry in ClinVar:

ClinVar aggregate classification (germline): Uncertain significance (1 of 4 stars; one submission).

Conditions:
Inborn genetic diseases. Identifiers: MedGen C0950123, MeSH D030342.

gnomAD v4.1: 1 of 1,613,932 alleles (0.000062%); highest among the groups gnomAD compares: East Asian, 0.0022%; no homozygotes.

Submission:

Ambry Genetics
Classification: Uncertain significance for Inborn genetic diseases. Last evaluated: 2024-10-15. Review status: criteria provided, single submitter. Criteria: Ambry Variant Classification Scheme 2023. Collection method: clinical testing. Allele origin: germline.
Comment: The p.N1062I variant (also known as c.3185A>T), located in coding exon 24 of the LRRK2 gene, results from an A to T substitution at nucleotide position 3185. The asparagine at codon 1062 is replaced by isoleucine, an amino acid with dissimilar properties. This amino acid position is conserved. In addition, this alteration is predicted to be tolerated by in silico analysis. Based on the available evidence, the clinical significance of this variant remains unclear.

NM_198578.4(LRRK2):c.3185A>T (p.Asn1062Ile)

Gene: LRRK2 (leucine rich repeat kinase 2; plus strand). Cytogenetic location: 12q12.
Variant type: single nucleotide variant.
Coding change: c.3185A>T on transcript NM_198578.4 (MANE Select); coding-DNA position 3185, A replaced by T.
Protein change: p.Asn1062Ile; replaces asparagine 1062 with isoleucine.
Molecular consequence: missense variant.
Genome position (GRCh38, 1-based): chr12:40,298,331, A>T. VCF-style: chr12-40298331-A-T. GRCh37 (hg19) VCF-style: chr12-40692133-A-T.
Other names: short protein forms N1062I.
Identifiers: ClinVar variation 3540736 (VCV003540736.1).